The following is an entry in ClinVar:

NM_004525.3(LRP2):c.5306A>G (p.Asp1769Gly)

Gene: LRP2 (LDL receptor related protein 2; minus strand). Cytogenetic location: 2q31.1.
Variant type: single nucleotide variant.
Coding change: c.5306A>G on transcript NM_004525.3 (MANE Select); coding-DNA position 5306, A replaced by G.
Protein change: p.Asp1769Gly; replaces aspartic acid 1769 with glycine.
Molecular consequence: missense variant.
Genome position (GRCh38, 1-based): chr2:169,226,510, T>C on the plus strand (A>G on the coding strand, the complement: LRP2 is on the minus strand). VCF-style: chr2-169226510-T-C. GRCh37 (hg19) VCF-style: chr2-170083020-T-C.
Other names: c.5306A>G (NM_004525.2); short protein forms D1769G.
Identifiers: ClinVar variation 1434702 (VCV001434702.5), dbSNP rs369588977, ClinGen allele CA1954563.
Genomic context (GRCh38, chr2:169,226,510, plus strand): 5'-TCAGCATCATCAAATTCAACATCTAAACCATTCTGTATCCCTGCTATGGGGACCATAGCA[T>C]CATTGCTCTTCACCTCAGGATTAAGGGAGATTCCAAAAATTATATGTTGCCTTACAGTTA-3'
Protein context (NP_004516.2, residues 1759-1779): ISLNPEVKSN[Asp1769Gly]AMVPIAGIQN

ClinVar aggregate classification (germline): Uncertain significance. Review status: criteria provided, multiple submitters, no conflicts (2 of 4 stars). 2 submissions from 2 submitters: Uncertain significance (2). Last evaluated 2025-11-11.

Conditions:
Inborn genetic diseases. Identifiers: MedGen C0950123, MeSH D030342.

Allele frequency attached by ClinVar (database versions not stated): gnomAD exomes 0.00001; ExAC 0.00002; TOPMed 0.00002; ESP Exome Variant Server 0.00008.
gnomAD v4.1: 17 of 1,606,806 alleles (0.0011%); highest among the groups gnomAD compares: African/African-American, 0.015%; no homozygotes.

Submissions (2):

Labcorp Genetics (formerly Invitae), Labcorp
Classification: Uncertain significance. Last evaluated: 2025-11-11. Review status: criteria provided, single submitter. Criteria: Invitae Variant Classification Sherloc (09022015). Collection method: clinical testing. Allele origin: germline.
Comment: This sequence change replaces aspartic acid, which is acidic and polar, with glycine, which is neutral and non-polar, at codon 1769 of the LRP2 protein (p.Asp1769Gly). This variant is present in population databases (rs369588977, gnomAD 0.01%). This variant has not been reported in the literature in individuals affected with LRP2-related conditions. ClinVar contains an entry for this variant (Variation ID: 1434702). Invitae Evidence Modeling of protein sequence and biophysical properties (such as structural, functional, and spatial information, amino acid conservation, physicochemical variation, residue mobility, and thermodynamic stability) indicates that this missense variant is expected to disrupt LRP2 protein function with a positive predictive value of 95%. In summary, the available evidence is currently insufficient to determine the role of this variant in disease. Therefore, it has been classified as a Variant of Uncertain Significance.

Ambry Genetics
Classification: Uncertain significance for Inborn genetic diseases. Last evaluated: 2025-06-07. Review status: criteria provided, single submitter. Criteria: Ambry Variant Classification Scheme 2023. Collection method: clinical testing. Allele origin: germline.